The following is an entry in ClinVar:

NM_001318777.2(TIRAP):c.539C>T (p.Ser180Leu)

Gene: TIRAP (TIR domain containing adaptor protein; plus strand). Cytogenetic location: 11q24.2.
Variant type: single nucleotide variant.
Coding change: c.539C>T on transcript NM_001318777.2 (MANE Select); coding-DNA position 539, C replaced by T.
Protein change: p.Ser180Leu; replaces serine 180 with leucine.
Molecular consequence: missense variant.
Genome position (GRCh38, 1-based): chr11:126,292,948, C>T. VCF-style: chr11-126292948-C-T. GRCh37 (hg19) VCF-style: chr11-126162843-C-T.
Other names: c.539C>T, p.Ser180Leu (NM_001039661.2, NM_001318776.2, NM_148910.3); short protein forms S180L.
Identifiers: ClinVar variation 4467 (VCV000004467.9), dbSNP rs8177374, ClinGen allele CA116876.

ClinVar aggregate classification (germline): Benign. Review status: criteria provided, multiple submitters, no conflicts (2 of 4 stars). 8 submissions from 5 submitters: Benign (4). 4 of the submissions do not count toward it. Last evaluated 2024-01-24.

Conditions:
Malaria, susceptibility to. Identifiers: Orphanet 673, MedGen C1970028, MONDO:0021024, OMIM 611162.
Mycobacterium tuberculosis, susceptibility to. Identifiers: MedGen C1834752, OMIM 607948.
Bacteremia, susceptibility to, 1 (BACTS1). Identifiers: MedGen C3280645, MONDO:0013723, OMIM 614382.
Invasive pneumococcal disease, protection against. Identifiers: MedGen C1970686.
Malaria, resistance to. Identifiers: MedGen C2720293.
Mycobacterium tuberculosis, protection against. Identifiers: MedGen C1969665.
Bacteremia, susceptibility. Also called: Bacteremia, resistance to. Identifiers: MedGen C3280646, MONDO:0000108.

Allele frequency attached by ClinVar (database versions not stated): 1000 Genomes Project 30x 0.08479; 1000 Genomes Project 0.08586; TOPMed 0.10333; gnomAD 0.10946 and 0.10979; gnomAD exomes 0.12366 and 0.14876; ExAC 0.12534.
gnomAD v4.1: 233,554 of 1,613,956 alleles (14%); highest among the groups gnomAD compares: Non-Finnish European, 16%; 18,397 homozygotes.

Submissions (8):

Unidad de Genómica Garrahan, Hospital de Pediatría Garrahan
Classification: Benign. Last evaluated: 2024-01-24. Review status: criteria provided, single submitter. Criteria: ACMG Guidelines, 2015. Collection method: clinical testing. Allele origin: germline. Affected: no. Observed: 21 variant alleles.
Comment: This variant is classified as Benign based on local population frequency. This variant was detected in 24% of patients studied by a panel of primary immunodeficiencies. Number of patients: 21. Only high quality variants are reported.

Fulgent Genetics
Classification: Benign for Mycobacterium tuberculosis, susceptibility to; Malaria, susceptibility to; Bacteremia, susceptibility to, 1. Last evaluated: 2022-04-27. Review status: criteria provided, single submitter. Criteria: ACMG Guidelines, 2015. Collection method: clinical testing. Allele origin: unknown.

GeneDx
Classification: Benign. Last evaluated: 2020-07-15. Review status: criteria provided, single submitter. Criteria: GeneDx Variant Classification Process June 2021. Collection method: clinical testing. Allele origin: germline. Affected: yes.
Comment: This variant is associated with the following publications: (PMID: 26771213, 20525286, 22683004, 18417424, 19456234, 18305471, 22058078, 19509334, 21705416, 17322885, 25003251, 26885859, 27166096, 24067789, 23047423, 26614847, 20797905)

Breakthrough Genomics
Classification: Benign. Review status: criteria provided, single submitter. Criteria: ACMG Guidelines, 2015. Collection method: not provided. Allele origin: germline. Inheritance: Unknown mechanism. Affected: yes.

OMIM
Classification: protective for MALARIA, RESISTANCE TO. Last evaluated: 2020-06-20. Review status: no assertion criteria provided. Collection method: literature only. Allele origin: germline. Not counted in ClinVar's aggregate classification.

OMIM
Classification: protective for BACTEREMIA, RESISTANCE TO. Last evaluated: 2020-06-20. Review status: no assertion criteria provided. Collection method: literature only. Allele origin: germline. Not counted in ClinVar's aggregate classification.

OMIM
Classification: protective for INVASIVE PNEUMOCOCCAL DISEASE, PROTECTION AGAINST. Last evaluated: 2008-03-01. Review status: no assertion criteria provided. Collection method: literature only. Allele origin: germline. Not counted in ClinVar's aggregate classification.

OMIM
Classification: protective for MYCOBACTERIUM TUBERCULOSIS, PROTECTION AGAINST. Last evaluated: 2008-03-01. Review status: no assertion criteria provided. Collection method: literature only. Allele origin: germline. Not counted in ClinVar's aggregate classification.

Literature cited by the submitters: PubMed 17322885 (cited by OMIM); PubMed 18305471 (cited by OMIM); Khor, C. C., Chapman, S. J., Vannberg, F. O., Hill, A. V. S., O'Neill, L. A. J. Reply to Nejentsev et al. (Letter) Nature Genet. 40: 262-263, 2008. (cited by OMIM); PubMed 16991088 (cited by OMIM).